The following is an entry in ClinVar:

NM_006158.5(NEFL):c.85G>T (p.Val29Leu)

Gene: NEFL (neurofilament light chain; minus strand). Cytogenetic location: 8p21.2.
Variant type: single nucleotide variant.
Coding change: c.85G>T on transcript NM_006158.5 (MANE Select); coding-DNA position 85, G replaced by T.
Protein change: p.Val29Leu; replaces valine 29 with leucine.
Molecular consequence: missense variant.
Genome position (GRCh38, 1-based): chr8:24,956,431, C>A on the plus strand (G>T on the coding strand, the complement: NEFL is on the minus strand). VCF-style: chr8-24956431-C-A. GRCh37 (hg19) VCF-style: chr8-24813945-C-A.
Other names: short protein forms V29L.
Identifiers: ClinVar variation 1764013 (VCV001764013.4), dbSNP rs985987606, ClinGen allele CA174061912.

ClinVar aggregate classification (germline): Uncertain significance. Review status: criteria provided, multiple submitters, no conflicts (2 of 4 stars). 2 submissions from 2 submitters: Uncertain significance (2). Last evaluated 2025-01-27.

Conditions:
Inborn genetic diseases. Identifiers: MedGen C0950123, MeSH D030342.
Charcot-Marie-Tooth disease type 2E (CMT2E). Also called: CHARCOT-MARIE-TOOTH DISEASE, AXONAL, TYPE 2E; CHARCOT-MARIE-TOOTH NEUROPATHY, TYPE 2E. Identifiers: Orphanet 99939, MedGen C1843225, MONDO:0011894, OMIM 607684.

Allele frequency attached by ClinVar (database versions not stated): TOPMed 0.00002.

Submissions (2):

Labcorp Genetics (formerly Invitae), Labcorp
Classification: Uncertain significance for Charcot-Marie-Tooth disease type 2E. Last evaluated: 2025-01-27. Review status: criteria provided, single submitter. Criteria: Invitae Variant Classification Sherloc (09022015). Collection method: clinical testing. Allele origin: germline.
Comment: This sequence change replaces valine, which is neutral and non-polar, with leucine, which is neutral and non-polar, at codon 29 of the NEFL protein (p.Val29Leu). This variant is present in population databases (no rsID available, gnomAD 0.03%). This variant has not been reported in the literature in individuals affected with NEFL-related conditions. ClinVar contains an entry for this variant (Variation ID: 1764013). Invitae Evidence Modeling of protein sequence and biophysical properties (such as structural, functional, and spatial information, amino acid conservation, physicochemical variation, residue mobility, and thermodynamic stability) has been performed for this missense variant. However, the output from this modeling did not meet the statistical confidence thresholds required to predict the impact of this variant on NEFL protein function. In summary, the available evidence is currently insufficient to determine the role of this variant in disease. Therefore, it has been classified as a Variant of Uncertain Significance.

Ambry Genetics
Classification: Uncertain significance for Inborn genetic diseases. Last evaluated: 2020-12-02. Review status: criteria provided, single submitter. Criteria: Ambry Variant Classification Scheme 2023. Collection method: clinical testing. Allele origin: germline.
Comment: The p.V29L variant (also known as c.85G>T), located in coding exon 1 of the NEFL gene, results from a G to T substitution at nucleotide position 85. The valine at codon 29 is replaced by leucine, an amino acid with highly similar properties. This amino acid position is not well conserved in available vertebrate species. In addition, the in silico prediction for this alteration is inconclusive. Since supporting evidence is limited at this time, the clinical significance of this alteration remains unclear.